The following is an entry in ClinVar:

NM_001373.1:c.989G>A

Gene: DNAH14 (dynein axonemal heavy chain 14; plus strand).
Variant type: single nucleotide variant.
Identifiers: ClinVar variation 4527022 (VCV004527022.1).

ClinVar aggregate classification (germline): Uncertain significance (1 of 4 stars; one submission).

Submission:

GeneDx
Classification: Uncertain significance. Last evaluated: 2025-04-25. Review status: criteria provided, single submitter. Criteria: GeneDx Variant Classification Process June 2021. Collection method: clinical testing. Allele origin: germline. Affected: yes.
Comment: In silico analysis supports that this missense variant has a deleterious effect on protein structure/function; In silico analysis is inconclusive as to whether the variant alters gene splicing. In the absence of RNA/functional studies, the actual effect of this sequence change is unknown.; Has not been previously published as pathogenic or benign to our knowledge